The following is an entry in ClinVar:

ClinVar aggregate classification (germline): Uncertain significance (1 of 4 stars; one submission).

Conditions:
EGFR-related lung cancer (EGFR). Identifiers: MedGen CN130014.

Submission:

Labcorp Genetics (formerly Invitae), Labcorp
Classification: Uncertain significance for EGFR-related lung cancer. Last evaluated: 2024-04-16. Review status: criteria provided, single submitter. Criteria: Invitae Variant Classification Sherloc (09022015). Collection method: clinical testing. Allele origin: germline.
Comment: This sequence change replaces glycine, which is neutral and non-polar, with aspartic acid, which is acidic and polar, at codon 796 of the EGFR protein (p.Gly796Asp). This variant is not present in population databases (gnomAD no frequency). This variant has not been reported in the literature in individuals affected with EGFR-related conditions. ClinVar contains an entry for this variant (Variation ID: 1502154). Advanced modeling of protein sequence and biophysical properties (such as structural, functional, and spatial information, amino acid conservation, physicochemical variation, residue mobility, and thermodynamic stability) performed at Invitae indicates that this missense variant is expected to disrupt EGFR protein function with a positive predictive value of 80%. In summary, the available evidence is currently insufficient to determine the role of this variant in disease. Therefore, it has been classified as a Variant of Uncertain Significance.

NM_005228.5(EGFR):c.2387G>A (p.Gly796Asp)

Genes: EGFR (epidermal growth factor receptor; plus strand), EGFR-AS1 (EGFR antisense RNA 1; minus strand). Cytogenetic location: 7p11.2.
Variant type: single nucleotide variant.
Coding change: c.2387G>A on transcript NM_005228.5 (MANE Select); coding-DNA position 2387, G replaced by A.
Protein change: p.Gly796Asp; replaces glycine 796 with aspartic acid.
Molecular consequence: missense variant. On other transcripts: non-coding transcript variant (1).
Genome position (GRCh38, 1-based): chr7:55,181,396, G>A. VCF-style: chr7-55181396-G-A. GRCh37 (hg19) VCF-style: chr7-55249089-G-A.
Other names: c.2252G>A, p.Gly751Asp (NM_001346897.2, NM_001346899.2); c.2387G>A, p.Gly796Asp (NM_001346898.2); c.2228G>A, p.Gly743Asp (NM_001346900.2); c.1586G>A, p.Gly529Asp (NM_001346941.2); short protein forms G743D, G529D, G751D, G796D.
Identifiers: ClinVar variation 1502154 (VCV001502154.8), dbSNP rs2128958694, ClinGen allele CA367578892.
Genomic context (GRCh38, chr7:55,181,396, plus strand): 5'-GCCTGCTGGGCATCTGCCTCACCTCCACCGTGCAGCTCATCACGCAGCTCATGCCCTTCG[G>A]CTGCCTCCTGGACTATGTCCGGGAACACAAAGACAATATTGGCTCCCAGTACCTGCTCAA-3'
Protein context (NP_005219.2, residues 786-806): VQLITQLMPF[Gly796Asp]CLLDYVREHK